The following is an entry in ClinVar:

ClinVar aggregate classification (germline): Conflicting classifications of pathogenicity. Review status: criteria provided, conflicting classifications (1 of 4 stars). 3 submissions from 3 submitters: Uncertain significance (2); Likely benign (1). Last evaluated 2025-10-02.

Conditions:
Inborn genetic diseases. Identifiers: MedGen C0950123, MeSH D030342.

Allele frequency attached by ClinVar (database versions not stated): gnomAD exomes 0.00003 and 0.00011; ExAC 0.00012; ESP Exome Variant Server 0.00015; gnomAD 0.00015 and 0.00016; TOPMed 0.00015; 1000 Genomes Project 30x 0.00016; 1000 Genomes Project 0.00020.
gnomAD v4.1: 64 of 1,614,046 alleles (0.004%); highest among the groups gnomAD compares: African/African-American, 0.047%; no homozygotes.

Submissions (3):

GeneDx
Classification: Uncertain significance. Last evaluated: 2025-10-02. Review status: criteria provided, single submitter. Criteria: GeneDx Variant Classification Process June 2021. Collection method: clinical testing. Allele origin: germline. Affected: yes.
Comment: In silico analysis supports that this missense variant has a deleterious effect on protein structure/function; Has not been previously published as pathogenic or benign to our knowledge

Labcorp Genetics (formerly Invitae), Labcorp
Classification: Likely benign. Last evaluated: 2025-02-15. Review status: criteria provided, single submitter. Criteria: Invitae Variant Classification Sherloc (09022015). Collection method: clinical testing. Allele origin: germline.

Ambry Genetics
Classification: Uncertain significance for Inborn genetic diseases. Last evaluated: 2021-09-16. Review status: criteria provided, single submitter. Criteria: Ambry Variant Classification Scheme 2023. Collection method: clinical testing. Allele origin: germline.

NM_020745.4(AARS2):c.2471T>C (p.Ile824Thr)

Gene: AARS2 (alanyl-tRNA synthetase 2, mitochondrial; minus strand). Cytogenetic location: 6p21.1.
Variant type: single nucleotide variant.
Coding change: c.2471T>C on transcript NM_020745.4 (MANE Select); coding-DNA position 2471, T replaced by C.
Protein change: p.Ile824Thr; replaces isoleucine 824 with threonine.
Molecular consequence: missense variant.
Genome position (GRCh38, 1-based): chr6:44,302,407, A>G on the plus strand (T>C on the coding strand, the complement: AARS2 is on the minus strand). VCF-style: chr6-44302407-A-G. GRCh37 (hg19) VCF-style: chr6-44270144-A-G.
Other names: short protein forms I824T.
Identifiers: ClinVar variation 1204750 (VCV001204750.12), dbSNP rs146765163, ClinGen allele CA3833975.